The following is an entry in ClinVar:

NM_003200.5(TCF3):c.112G>C (p.Ala38Pro)

Gene: TCF3 (transcription factor 3; minus strand). Cytogenetic location: 19p13.3.
Variant type: single nucleotide variant.
Coding change: c.112G>C on transcript NM_003200.5 (MANE Select); coding-DNA position 112, G replaced by C.
Protein change: p.Ala38Pro; replaces alanine 38 with proline.
Molecular consequence: missense variant.
Genome position (GRCh38, 1-based): chr19:1,646,388, C>G on the plus strand (G>C on the coding strand, the complement: TCF3 is on the minus strand). VCF-style: chr19-1646388-C-G. GRCh37 (hg19) VCF-style: chr19-1646387-C-G.
Other names: c.112G>C, p.Ala38Pro (NM_001136139.4, NM_001351778.2, NM_001351779.2); short protein forms A38P.
Identifiers: ClinVar variation 4781869 (VCV004781869.1).

ClinVar aggregate classification (germline): Uncertain significance (1 of 4 stars; one submission).

Submission:

Labcorp Genetics (formerly Invitae), Labcorp
Classification: Uncertain significance. Last evaluated: 2025-11-24. Review status: criteria provided, single submitter. Criteria: Invitae Variant Classification Sherloc (09022015). Collection method: clinical testing. Allele origin: germline.
Comment: This sequence change replaces alanine, which is neutral and non-polar, with proline, which is neutral and non-polar, at codon 38 of the TCF3 protein (p.Ala38Pro). This variant is not present in population databases (gnomAD no frequency). This variant has not been reported in the literature in individuals affected with TCF3-related conditions. Invitae Evidence Modeling of protein sequence and biophysical properties (such as structural, functional, and spatial information, amino acid conservation, physicochemical variation, residue mobility, and thermodynamic stability) indicates that this missense variant is not expected to disrupt TCF3 protein function with a negative predictive value of 80%. In summary, the available evidence is currently insufficient to determine the role of this variant in disease. Therefore, it has been classified as a Variant of Uncertain Significance.